The following is an entry in ClinVar:

ClinVar aggregate classification (germline): Uncertain significance. Review status: criteria provided, multiple submitters, no conflicts (2 of 4 stars). 2 submissions from 2 submitters: Uncertain significance (2). Last evaluated 2025-06-23.

Conditions:
Hereditary cancer-predisposing syndrome. Also called: Hereditary neoplastic syndrome; Tumor predisposition; Neoplastic Syndromes, Hereditary; Hereditary Cancer Syndrome. Identifiers: Orphanet 140162, MedGen C0027672, MeSH D009386, MONDO:0015356.
Tuberous sclerosis 1 (TSC1). Identifiers: Orphanet 805, MedGen C1854465, MONDO:0008612, OMIM 191100.

Submissions (2):

Labcorp Genetics (formerly Invitae), Labcorp
Classification: Uncertain significance for Tuberous sclerosis 1. Last evaluated: 2025-06-23. Review status: criteria provided, single submitter. Criteria: Invitae Variant Classification Sherloc (09022015). Collection method: clinical testing. Allele origin: germline.
Comment: This sequence change replaces serine, which is neutral and polar, with arginine, which is basic and polar, at codon 1086 of the TSC1 protein (p.Ser1086Arg). This variant is not present in population databases (gnomAD no frequency). This variant has not been reported in the literature in individuals affected with TSC1-related conditions. ClinVar contains an entry for this variant (Variation ID: 952436). Invitae Evidence Modeling of protein sequence and biophysical properties (such as structural, functional, and spatial information, amino acid conservation, physicochemical variation, residue mobility, and thermodynamic stability) indicates that this missense variant is not expected to disrupt TSC1 protein function with a negative predictive value of 95%. In summary, the available evidence is currently insufficient to determine the role of this variant in disease. Therefore, it has been classified as a Variant of Uncertain Significance.

Ambry Genetics
Classification: Uncertain significance for Hereditary cancer-predisposing syndrome. Last evaluated: 2024-02-16. Review status: criteria provided, single submitter. Criteria: Ambry Variant Classification Scheme 2023. Collection method: clinical testing. Allele origin: germline.
Comment: The p.S1086R variant (also known as c.3258C>G), located in coding exon 21 of the TSC1 gene, results from a C to G substitution at nucleotide position 3258. The serine at codon 1086 is replaced by arginine, an amino acid with dissimilar properties. This amino acid position is conserved. In addition, this alteration is predicted to be deleterious by in silico analysis. Based on the available evidence, the clinical significance of this alteration remains unclear.

NM_000368.5(TSC1):c.3258C>G (p.Ser1086Arg)

Gene: TSC1 (TSC complex subunit 1; minus strand). Cytogenetic location: 9q34.13.
Variant type: single nucleotide variant.
Coding change: c.3258C>G on transcript NM_000368.5 (MANE Select); coding-DNA position 3258, C replaced by G.
Protein change: p.Ser1086Arg; replaces serine 1086 with arginine.
Molecular consequence: missense variant.
Genome position (GRCh38, 1-based): chr9:132,896,472, G>C on the plus strand (C>G on the coding strand, the complement: TSC1 is on the minus strand). VCF-style: chr9-132896472-G-C. GRCh37 (hg19) VCF-style: chr9-135771859-G-C.
Other names: c.3255C>G, p.Ser1085Arg (NM_001162426.2); c.3105C>G, p.Ser1035Arg (NM_001162427.2); c.2895C>G, p.Ser965Arg (NM_001362177.2); short protein forms S1085R, S1086R, S1035R, S965R.
Identifiers: ClinVar variation 952436 (VCV000952436.10), dbSNP rs1845053380, ClinGen allele CA375366825.